The following is an entry in ClinVar:

NM_000747.3(CHRNB1):c.578A>G (p.Gln193Arg)

Gene: CHRNB1 (cholinergic receptor nicotinic beta 1 subunit; plus strand). Cytogenetic location: 17p13.1.
Variant type: single nucleotide variant.
Coding change: c.578A>G on transcript NM_000747.3 (MANE Select); coding-DNA position 578, A replaced by G.
Protein change: p.Gln193Arg; replaces glutamine 193 with arginine.
Molecular consequence: missense variant.
Genome position (GRCh38, 1-based): chr17:7,447,618, A>G. VCF-style: chr17-7447618-A-G. GRCh37 (hg19) VCF-style: chr17-7350937-A-G.
Other names: short protein forms Q193R.
Identifiers: ClinVar variation 570481 (VCV000570481.8), dbSNP rs376604413, ClinGen allele CA8347817.
Genomic context (GRCh38, chr17:7,447,618, plus strand): 5'-GCTACGACAGCTCGGAGGTCAGCCTGCAGACAGGCCTGGGTCCTGACGGGCAAGGGCATC[A>G]GGAAATCCACATTCATGAAGGGACTTTCATTGGTGAGTAGGCATGGCTCCTACATCCATG-3'
Protein context (NP_000738.2, residues 183-203): TGLGPDGQGH[Gln193Arg]EIHIHEGTFI

ClinVar aggregate classification (germline): Uncertain significance (1 of 4 stars; one submission).

Conditions:
Congenital myasthenic syndrome 2A. Also called: Myasthenic syndrome, congenital, 2a, slow-channel. Identifiers: Orphanet 590, MedGen C4225374, MONDO:0014581, OMIM 616313.

Allele frequency attached by ClinVar (database versions not stated): gnomAD exomes 0.00001 and 0.00002; TOPMed 0.00002; gnomAD 0.00003; ESP Exome Variant Server 0.00008; ExAC 0.00002.
gnomAD v4.1: 38 of 1,614,112 alleles (0.0024%); highest among the groups gnomAD compares: Non-Finnish European, 0.0031%; no homozygotes.

Submission:

Labcorp Genetics (formerly Invitae), Labcorp
Classification: Uncertain significance for Congenital myasthenic syndrome 2A. Last evaluated: 2023-07-26. Review status: criteria provided, single submitter. Criteria: Invitae Variant Classification Sherloc (09022015). Collection method: clinical testing. Allele origin: germline.
Comment: This sequence change replaces glutamine, which is neutral and polar, with arginine, which is basic and polar, at codon 193 of the CHRNB1 protein (p.Gln193Arg). This variant is present in population databases (rs376604413, gnomAD 0.004%). This variant has not been reported in the literature in individuals affected with CHRNB1-related conditions. ClinVar contains an entry for this variant (Variation ID: 570481). Advanced modeling of protein sequence and biophysical properties (such as structural, functional, and spatial information, amino acid conservation, physicochemical variation, residue mobility, and thermodynamic stability) performed at Invitae indicates that this missense variant is not expected to disrupt CHRNB1 protein function. In summary, the available evidence is currently insufficient to determine the role of this variant in disease. Therefore, it has been classified as a Variant of Uncertain Significance.